The following is an entry in ClinVar:

NM_001384140.1(PCDH15):c.841A>G (p.Thr281Ala)

Gene: PCDH15 (protocadherin related 15; minus strand). Cytogenetic location: 10q21.1.
Variant type: single nucleotide variant.
Coding change: c.841A>G on transcript NM_001384140.1 (MANE Select); coding-DNA position 841, A replaced by G.
Protein change: p.Thr281Ala; replaces threonine 281 with alanine.
Molecular consequence: missense variant.
Genome position (GRCh38, 1-based): chr10:54,317,306, T>C on the plus strand (A>G on the coding strand, the complement: PCDH15 is on the minus strand). VCF-style: chr10-54317306-T-C. GRCh37 (hg19) VCF-style: chr10-56077066-T-C.
Other names: NM_001384140.1(PCDH15):c.841A>G; p.Thr281Ala; c.856A>G, p.Thr286Ala (NM_001142763.2, NM_001142769.4, NM_001142771.2); c.841A>G, p.Thr281Ala (NM_001142764.2, NM_001142765.2, NM_001142766.2 and 7 more transcripts); c.730A>G, p.Thr244Ala (NM_001142767.2); c.775A>G, p.Thr259Ala (NM_001142768.2, NM_001142773.2, NM_001354404.2); short protein forms T244A, T259A, T281A, T286A.
Identifiers: ClinVar variation 1343722 (VCV001343722.4), dbSNP rs773843633, ClinGen allele CA5506582.

ClinVar aggregate classification (germline): Uncertain significance. Review status: criteria provided, multiple submitters, no conflicts (2 of 4 stars). 2 submissions from 2 submitters: Uncertain significance (2). Last evaluated 2023-08-28.

Conditions:
Usher syndrome type 1F (USH1F). Also called: USHER SYNDROME, TYPE IF. Identifiers: Orphanet 231169, Orphanet 886, MedGen C1865885, MONDO:0011186, OMIM 602083.

Allele frequency attached by ClinVar (database versions not stated): ExAC 0.00001; gnomAD exomes 0.00001 and 0.00002; TOPMed 0.00001.
gnomAD v4.1: 6 of 1,613,866 alleles (0.00037%); highest among the groups gnomAD compares: East Asian, 0.011%; no homozygotes.

Submissions (2):

Women's Health and Genetics/Laboratory Corporation of America, LabCorp
Classification: Uncertain significance. Last evaluated: 2023-08-28. Review status: criteria provided, single submitter. Criteria: LabCorp Variant Classification Summary - May 2015. Collection method: clinical testing. Allele origin: germline.
Comment: Variant summary: PCDH15 c.841A>G (p.Thr281Ala) results in a non-conservative amino acid change located in the Cadherin-like domain (IPR002126) of the encoded protein sequence. Two of three in-silico tools predict a damaging effect of the variant on protein function. The variant allele was found at a frequency of 1.6e-05 in 251280 control chromosomes. The available data on variant occurrences in the general population are insufficient to allow any conclusion about variant significance. c.841A>G has been reported in the literature in individuals affected with autism spectrum disorders and retinitis pigmentosa (Ishizuka_2016, Liu_2020). These reports do not provide unequivocal conclusions about association of the variant with Usher Syndrome Type 1F. To our knowledge, no experimental evidence demonstrating an impact on protein function has been reported. The following publications have been ascertained in the context of this evaluation (PMID: 27058588, 33090715). One submitter has cited clinical-significance assessments for this variant to ClinVar after 2014 and has classified the variant as uncertain significance. Based on the evidence outlined above, the variant was classified as uncertain significance.

Broad Center for Mendelian Genomics, Broad Institute of MIT and Harvard
Classification: Uncertain significance for Usher syndrome type 1F. Last evaluated: 2023-01-24. Review status: criteria provided, single submitter. Criteria: ACMG Guidelines, 2015. Collection method: curation. Allele origin: germline. Inheritance: Autosomal recessive inheritance.
Comment: The p.Thr281Ala variant in PCDH15 has been reported in 1 individual with Usher syndrome type 1F (PMID: 33090715) and has been identified in 0.02% (3/18384) of East Asian chromosomes by the Genome Aggregation Database (gnomAD; dbSNP ID: rs773843633). Although this variant has been seen in the general population in a heterozygous state, its frequency is not high enough to rule out a pathogenic role. This variant has also been reported in ClinVar (Variation ID#: 1343722) and has been interpreted as a variant of uncertain significance by Women's Health and Genetics/Laboratory Corporation of America (LabCorp). Computational prediction tools, including splice predictors, and conservation analyses suggest that this variant may not impact the protein, though this information is not predictive enough to rule out pathogenicity. In summary, the clinical significance of the p.Thr281Ala variant is uncertain. ACMG/AMP Criteria applied: BP4 (Richards 2015).

Literature cited by the submitters: PubMed 27058588 (cited by Women's Health and Genetics/Laboratory Corporation of America, LabCorp); PubMed 33090715 (cited by Women's Health and Genetics/Laboratory Corporation of America, LabCorp).